The following is an entry in ClinVar:

NM_014625.4(NPHS2):c.1127A>G (p.Lys376Arg)

Genes: AXDND1 (axonemal dynein light chain domain containing 1; plus strand), NPHS2 (NPHS2 stomatin family member, podocin; minus strand). Cytogenetic location: 1q25.2.
Variant type: single nucleotide variant.
Coding change: c.1127A>G on transcript NM_014625.4 (MANE Select); coding-DNA position 1127, A replaced by G.
Protein change: p.Lys376Arg; replaces lysine 376 with arginine.
Molecular consequence: missense variant. On other transcripts: intron variant (1).
Genome position (GRCh38, 1-based): chr1:179,551,198, T>C on the plus strand (A>G on the coding strand, the complement: NPHS2 is on the minus strand). VCF-style: chr1-179551198-T-C. GRCh37 (hg19) VCF-style: chr1-179520333-T-C.
Other names: c.923A>G, p.Lys308Arg (NM_001297575.2); c.3032-3314T>C (NM_144696.6); c.1127A>G (NM_014625.2); short protein forms K308R, K376R.
Identifiers: ClinVar variation 1446062 (VCV001446062.6), dbSNP rs529444645, ClinGen allele CA1267021.

ClinVar aggregate classification (germline): Uncertain significance. Review status: criteria provided, multiple submitters, no conflicts (2 of 4 stars). 2 submissions from 2 submitters: Uncertain significance (2). Last evaluated 2025-09-26.

Conditions:
Inborn genetic diseases. Identifiers: MedGen C0950123, MeSH D030342.

Allele frequency attached by ClinVar (database versions not stated): ExAC 0.00001; TOPMed 0.00005; gnomAD exomes 0.00001 and 0.00002; gnomAD 0.00002; 1000 Genomes Project 30x 0.00016; 1000 Genomes Project 0.00020.
gnomAD v4.1: 7 of 1,614,066 alleles (0.00043%); highest among the groups gnomAD compares: Admixed American, 0.0083%; no homozygotes.

Submissions (2):

Ambry Genetics
Classification: Uncertain significance for Inborn genetic diseases. Last evaluated: 2025-09-26. Review status: criteria provided, single submitter. Criteria: Ambry Variant Classification Scheme 2023. Collection method: clinical testing. Allele origin: germline.

Labcorp Genetics (formerly Invitae), Labcorp
Classification: Uncertain significance. Last evaluated: 2021-09-17. Review status: criteria provided, single submitter. Criteria: Invitae Variant Classification Sherloc (09022015). Collection method: clinical testing. Allele origin: germline.
Comment: This sequence change replaces lysine with arginine at codon 376 of the NPHS2 protein (p.Lys376Arg). The lysine residue is weakly conserved and there is a small physicochemical difference between lysine and arginine. This variant is present in population databases (rs529444645, ExAC 0.009%). This variant has not been reported in the literature in individuals with NPHS2-related conditions. Advanced modeling of protein sequence and biophysical properties (such as structural, functional, and spatial information, amino acid conservation, physicochemical variation, residue mobility, and thermodynamic stability) performed at Invitae indicates that this missense variant is not expected to disrupt NPHS2 protein function. In summary, the available evidence is currently insufficient to determine the role of this variant in disease. Therefore, it has been classified as a Variant of Uncertain Significance.